The following is an entry in ClinVar:

ClinVar aggregate classification (germline): Conflicting classifications of pathogenicity. Review status: criteria provided, conflicting classifications (1 of 4 stars). 5 submissions from 5 submitters: Uncertain significance (4); Likely benign (1). Last evaluated 2023-06-25.

Conditions:
Hereditary breast ovarian cancer syndrome. Also called: Hereditary breast and ovarian cancer syndrome; Hereditary breast and ovarian cancer; Hereditary breast and ovarian cancer syndrome (HBOC); Breast and ovarian cancer; Hereditary breast and/or ovarian cancer syndrome; BRCA1- and BRCA2-Associated Hereditary Breast and Ovarian Cancer. Identifiers: Orphanet 145, MedGen C0677776, MeSH D061325, MONDO:0003582. Disease mechanism: loss of function.
Hereditary cancer-predisposing syndrome. Also called: Neoplastic Syndromes, Hereditary; Tumor predisposition; Hereditary neoplastic syndrome; Hereditary Cancer Syndrome. Identifiers: Orphanet 140162, MedGen C0027672, MeSH D009386, MONDO:0015356.

Submissions (5):

Labcorp Genetics (formerly Invitae), Labcorp
Classification: Uncertain significance for Hereditary breast ovarian cancer syndrome. Last evaluated: 2023-06-25. Review status: criteria provided, single submitter. Criteria: Invitae Variant Classification Sherloc (09022015). Collection method: clinical testing. Allele origin: germline.
Comment: In summary, the available evidence is currently insufficient to determine the role of this variant in disease. Therefore, it has been classified as a Variant of Uncertain Significance. Advanced modeling of protein sequence and biophysical properties (such as structural, functional, and spatial information, amino acid conservation, physicochemical variation, residue mobility, and thermodynamic stability) performed at Invitae indicates that this missense variant is not expected to disrupt BRCA2 protein function. ClinVar contains an entry for this variant (Variation ID: 824119). This variant has not been reported in the literature in individuals affected with BRCA2-related conditions. This variant is not present in population databases (gnomAD no frequency). This sequence change replaces leucine, which is neutral and non-polar, with proline, which is neutral and non-polar, at codon 1240 of the BRCA2 protein (p.Leu1240Pro).

University of Washington Department of Laboratory Medicine, University of Washington
Classification: Likely benign for Hereditary cancer-predisposing syndrome. Last evaluated: 2023-03-23. Review status: criteria provided, single submitter. Criteria: Dines et al. (Genet Med. 2020). Collection method: curation. Allele origin: germline.
Comment: Missense variant in a coldspot region where missense variants are very unlikely to be pathogenic (PMID:31911673).

BRCA2 exon 11 coldspot. Reclassification based on statistical prior probability.

Quest Diagnostics Nichols Institute San Juan Capistrano
Classification: Uncertain significance. Last evaluated: 2021-02-19. Review status: criteria provided, single submitter. Criteria: Quest Diagnostics criteria. Collection method: clinical testing. Allele origin: unknown.

Color Diagnostics, LLC DBA Color Health
Classification: Uncertain significance for Hereditary cancer-predisposing syndrome. Last evaluated: 2019-05-22. Review status: criteria provided, single submitter. Criteria: ACMG Guidelines, 2015. Collection method: clinical testing. Allele origin: germline.

Ambry Genetics
Classification: Uncertain significance for Hereditary cancer-predisposing syndrome. Last evaluated: 2019-05-10. Review status: criteria provided, single submitter. Criteria: Ambry Variant Classification Scheme 2023. Collection method: clinical testing. Allele origin: germline.
Comment: The p.L1240P variant (also known as c.3719T>C), located in coding exon 10 of the BRCA2 gene, results from a T to C substitution at nucleotide position 3719. The leucine at codon 1240 is replaced by proline, an amino acid with similar properties. This amino acid position is highly conserved in available vertebrate species. In addition, this alteration is predicted to be deleterious by in silico analysis. Since supporting evidence is limited at this time, the clinical significance of this alteration remains unclear.

NM_000059.4(BRCA2):c.3719T>C (p.Leu1240Pro)

Gene: BRCA2 (BRCA2 DNA repair associated; plus strand). Cytogenetic location: 13q13.1.
Variant type: single nucleotide variant.
Coding change: c.3719T>C on transcript NM_000059.4 (MANE Select); coding-DNA position 3719, T replaced by C.
Protein change: p.Leu1240Pro; replaces leucine 1240 with proline.
Molecular consequence: missense variant.
Genome position (GRCh38, 1-based): chr13:32,338,074, T>C. VCF-style: chr13-32338074-T-C. GRCh37 (hg19) VCF-style: chr13-32912211-T-C.
Other names: short protein forms L1240P.
Identifiers: ClinVar variation 824119 (VCV000824119.12), dbSNP rs1593900306, ClinGen allele CA387778083.